The following is an entry in ClinVar:

NM_000369.5(TSHR):c.1839C>G (p.Tyr613Ter)

Genes: TSHR (thyroid stimulating hormone receptor; plus strand), TSHR-AS1 (TSHR antisense RNA 1; minus strand). Cytogenetic location: 14q31.1.
Variant type: single nucleotide variant.
Coding change: c.1839C>G on transcript NM_000369.5 (MANE Select); coding-DNA position 1839, C replaced by G.
Protein change: p.Tyr613Ter; replaces tyrosine 613 with a stop codon.
Molecular consequence: nonsense.
Genome position (GRCh38, 1-based): chr14:81,143,897, C>G. VCF-style: chr14-81143897-C-G. GRCh37 (hg19) VCF-style: chr14-81610241-C-G.
Other names: short protein forms Y613*.
Identifiers: ClinVar variation 2807518 (VCV002807518.4), dbSNP rs756468029, ClinGen allele CA7294538.

ClinVar aggregate classification (germline): Pathogenic/Likely pathogenic. Review status: criteria provided, multiple submitters, no conflicts (2 of 4 stars). 2 submissions from 2 submitters: Pathogenic (1); Likely pathogenic (1). Last evaluated 2025-03-05.

Allele frequency attached by ClinVar (database versions not stated): TOPMed below 0.00001; gnomAD 0.00001.
gnomAD v4.1: 2 of 1,614,074 alleles (0.00012%); highest among the groups gnomAD compares: African/African-American, 0.0027%; no homozygotes.

Submissions (2):

GeneDx
Classification: Likely pathogenic. Last evaluated: 2025-03-05. Review status: criteria provided, single submitter. Criteria: GeneDx Variant Classification Process June 2021. Collection method: clinical testing. Allele origin: germline. Affected: yes.
Comment: Nonsense variant predicted to result in protein truncation, as the last 152 amino acid(s) are lost, and other loss-of-function variants have been reported downstream in HGMD; Not observed at significant frequency in large population cohorts (gnomAD); Has not been previously published as pathogenic or benign in association with a TSHR-related disorder to our knowledge; This variant is associated with the following publications: (PMID: 34200080)

Labcorp Genetics (formerly Invitae), Labcorp
Classification: Pathogenic. Last evaluated: 2023-05-23. Review status: criteria provided, single submitter. Criteria: Invitae Variant Classification Sherloc (09022015). Collection method: clinical testing. Allele origin: germline.
Comment: For these reasons, this variant has been classified as Pathogenic. This variant disrupts a region of the TSHR protein in which other variant(s) (p.Val711Phefs*18) have been determined to be pathogenic (PMID: 33108452). This suggests that this is a clinically significant region of the protein, and that variants that disrupt it are likely to be disease-causing. This variant has not been reported in the literature in individuals affected with TSHR-related conditions. This variant is present in population databases (rs756468029, gnomAD 0.007%). This sequence change creates a premature translational stop signal (p.Tyr613*) in the TSHR gene. While this is not anticipated to result in nonsense mediated decay, it is expected to disrupt the last 152 amino acid(s) of the TSHR protein.

Literature cited by the submitters: PubMed 33108452 (cited by Labcorp Genetics (formerly Invitae), Labcorp).